The following is an entry in ClinVar:

ClinVar aggregate classification (germline): Uncertain significance. Review status: criteria provided, multiple submitters, no conflicts (2 of 4 stars). 2 submissions from 2 submitters: Uncertain significance (2). Last evaluated 2022-10-04.

Conditions:
Hereditary cancer-predisposing syndrome. Also called: Neoplastic Syndromes, Hereditary; Tumor predisposition; Hereditary neoplastic syndrome; Hereditary Cancer Syndrome. Identifiers: Orphanet 140162, MedGen C0027672, MeSH D009386, MONDO:0015356.

Submissions (2):

Labcorp Genetics (formerly Invitae), Labcorp
Classification: Uncertain significance for Hereditary cancer-predisposing syndrome. Last evaluated: 2022-10-04. Review status: criteria provided, single submitter. Criteria: Invitae Variant Classification Sherloc (09022015). Collection method: clinical testing. Allele origin: germline.
Comment: In summary, the available evidence is currently insufficient to determine the role of this variant in disease. Therefore, it has been classified as a Variant of Uncertain Significance. Algorithms developed to predict the effect of missense changes on protein structure and function (SIFT, PolyPhen-2, Align-GVGD) all suggest that this variant is likely to be tolerated. ClinVar contains an entry for this variant (Variation ID: 823706). This variant has not been reported in the literature in individuals affected with RAD50-related conditions. This variant is not present in population databases (gnomAD no frequency). This sequence change replaces glutamine, which is neutral and polar, with proline, which is neutral and non-polar, at codon 1130 of the RAD50 protein (p.Gln1130Pro).

Ambry Genetics
Classification: Uncertain significance for Hereditary cancer-predisposing syndrome. Last evaluated: 2019-12-19. Review status: criteria provided, single submitter. Criteria: Ambry Variant Classification Scheme 2023. Collection method: clinical testing. Allele origin: germline.
Comment: The p.Q1130P variant (also known as c.3389A>C), located in coding exon 21 of the RAD50 gene, results from an A to C substitution at nucleotide position 3389. The amino acid change results in glutamine to proline at codon 1130, an amino acid with similar properties. This amino acid position is well conserved in available vertebrate species. In addition, the in silico prediction for this alteration is inconclusive. Since supporting evidence is limited at this time, the clinical significance of this alteration remains unclear.

NM_005732.4(RAD50):c.3389A>C (p.Gln1130Pro)

Gene: RAD50 (RAD50 double strand break repair protein; plus strand). Cytogenetic location: 5q31.1.
Variant type: single nucleotide variant.
Coding change: c.3389A>C on transcript NM_005732.4 (MANE Select); coding-DNA position 3389, A replaced by C.
Protein change: p.Gln1130Pro; replaces glutamine 1130 with proline.
Molecular consequence: missense variant.
Genome position (GRCh38, 1-based): chr5:132,618,294, A>C. VCF-style: chr5-132618294-A-C. GRCh37 (hg19) VCF-style: chr5-131953986-A-C.
Other names: short protein forms Q1130P.
Identifiers: ClinVar variation 823706 (VCV000823706.14), dbSNP rs1581009614, ClinGen allele CA360965081.